The following is an entry in ClinVar:

NM_002334.4(LRP4):c.143A>G (p.Gln48Arg)

Gene: LRP4 (LDL receptor related protein 4; minus strand). Cytogenetic location: 11p11.2.
Variant type: single nucleotide variant.
Coding change: c.143A>G on transcript NM_002334.4 (MANE Select); coding-DNA position 143, A replaced by G.
Protein change: p.Gln48Arg; replaces glutamine 48 with arginine.
Molecular consequence: missense variant.
Genome position (GRCh38, 1-based): chr11:46,902,839, T>C on the plus strand (A>G on the coding strand, the complement: LRP4 is on the minus strand). VCF-style: chr11-46902839-T-C. GRCh37 (hg19) VCF-style: chr11-46924390-T-C.
Other names: short protein forms Q48R.
Identifiers: ClinVar variation 2947381 (VCV002947381.3), dbSNP rs1309344878, ClinGen allele CA380291119.

ClinVar aggregate classification (germline): Uncertain significance (1 of 4 stars; one submission).

Conditions:
Sclerosteosis 2 (SOST2). Identifiers: Orphanet 3152, MedGen C3280402, MONDO:0013679, OMIM 614305.
Cenani-Lenz syndactyly syndrome. Also called: SYNDACTYLY, TYPE VII; CENANI SYNDACTYLISM. Identifiers: Orphanet 3258, MedGen C1859309, MONDO:0008931, OMIM 212780.
Congenital myasthenic syndrome 17. Identifiers: Orphanet 590, MedGen C4225377, MONDO:0014578, OMIM 616304.

Submission:

Labcorp Genetics (formerly Invitae), Labcorp
Classification: Uncertain significance for Cenani-Lenz syndactyly syndrome; Sclerosteosis 2; Congenital myasthenic syndrome 17. Last evaluated: 2025-07-14. Review status: criteria provided, single submitter. Criteria: Invitae Variant Classification Sherloc (09022015). Collection method: clinical testing. Allele origin: germline.
Comment: This sequence change replaces glutamine, which is neutral and polar, with arginine, which is basic and polar, at codon 48 of the LRP4 protein (p.Gln48Arg). This variant is not present in population databases (gnomAD no frequency). This variant has not been reported in the literature in individuals affected with LRP4-related conditions. ClinVar contains an entry for this variant (Variation ID: 2947381). An algorithm developed to predict the effect of missense changes on protein structure and function (PolyPhen-2) suggests that this variant is likely to be tolerated. In summary, the available evidence is currently insufficient to determine the role of this variant in disease. Therefore, it has been classified as a Variant of Uncertain Significance.